The following is an entry in ClinVar:

ClinVar aggregate classification (germline): Benign (1 of 4 stars; one submission).

Conditions:
Autosomal dominant optic atrophy classic form (OPA1). Also called: KJER-TYPE OPTIC ATROPHY; OPTIC ATROPHY, JUVENILE; Optic Atrophy Type 1. Identifiers: Orphanet 98673, MedGen C0338508, MONDO:0008134, OMIM 165500.

Allele frequency attached by ClinVar (database versions not stated): gnomAD exomes 0.00008; 1000 Genomes Project 0.00140; gnomAD 0.00122 and 0.00129; TOPMed 0.00125; 1000 Genomes Project 30x 0.00156.

Submission:

Illumina Laboratory Services, Illumina
Classification: Benign for Autosomal dominant optic atrophy classic form. Last evaluated: 2018-01-12. Review status: criteria provided, single submitter. Criteria: ICSL Variant Classification Criteria 13 December 2019. Collection method: clinical testing. Allele origin: germline.
Comment: This variant was observed in the ICSL laboratory as part of a predisposition screen in an ostensibly healthy population. It had not been previously curated by ICSL or reported in the Human Gene Mutation Database (HGMD: prior to June 1st, 2018), and was therefore a candidate for classification through an automated scoring system. Utilizing variant allele frequency, disease prevalence and penetrance estimates, and inheritance mode, an automated score was calculated to assess if this variant is too frequent to cause the disease. Based on the score and internal cut-off values, a variant classified as benign is not then subjected to further curation. The score for this variant resulted in a classification of benign for this disease.

NM_015560.2(OPA1):c.-172T>A

Gene: OPA1 (OPA1 mitochondrial dynamin like GTPase; plus strand). Cytogenetic location: 3q29.
Variant type: single nucleotide variant.
Coding change: c.-172T>A on transcript NM_015560.2; 172 bases upstream of the start codon, T replaced by A.
Genome position (GRCh38, 1-based): chr3:193,593,206, T>A. VCF-style: chr3-193593206-T-A. GRCh37 (hg19) VCF-style: chr3-193310995-T-A.
Other names: c.-172T>A (NM_130837.2).
Identifiers: ClinVar variation 903247 (VCV000903247.6), dbSNP rs146295726, ClinGen allele CA90547786.